The following is an entry in ClinVar:

NM_000059.4(BRCA2):c.6842-473A>G

Gene: BRCA2 (BRCA2 DNA repair associated; plus strand). Cytogenetic location: 13q13.1.
Variant type: single nucleotide variant.
Coding change: c.6842-473A>G on transcript NM_000059.4 (MANE Select); 473 bases into the intron before coding-DNA position 6842, A replaced by G.
Molecular consequence: intron variant.
Genome position (GRCh38, 1-based): chr13:32,344,085, A>G. VCF-style: chr13-32344085-A-G. GRCh37 (hg19) VCF-style: chr13-32918222-A-G.
Other names: IVS 11-473A>G.
Identifiers: ClinVar variation 209702 (VCV000209702.2), dbSNP rs11571671, ClinGen allele CA276670.
Genomic context (GRCh38, chr13:32,344,085, plus strand): 5'-AGCCTCTGTAGAATTTTTAAATAAGAATTGTTTCTATTACTAGTACTTTAATGTAATTTG[A>G]TAATTGTAAAAAGCCTCTTAACTCTAATTCAAGGACCTACATAATAAATTACTCCTTCAG-3'

ClinVar aggregate classification (germline): Benign. Review status: reviewed by expert panel (3 of 4 stars). 2 submissions from 2 submitters: Benign (1). 1 of the submissions does not count toward it. Last evaluated 2015-01-12.

Conditions:
Breast-ovarian cancer, familial, susceptibility to, 2 (BROVCA2). Also called: BRCA2 Hereditary Breast and Ovarian Cancer. Identifiers: Orphanet 145, MedGen C2675520, MONDO:0012933, OMIM 612555. Disease mechanism: loss of function.

Allele frequency attached by ClinVar (database versions not stated): gnomAD 0.04352 and 0.04694; TOPMed 0.04887; 1000 Genomes Project 0.08007; 1000 Genomes Project 30x 0.08057.
gnomAD v4.1: 7,110 of 151,650 alleles (4.7%); highest among the groups gnomAD compares: South Asian, 11%; 245 homozygotes.

Submissions (2):

Evidence-based Network for the Interpretation of Germline Mutant Alleles (ENIGMA)
Classification: Benign for Breast-ovarian cancer, familial 2. Last evaluated: 2015-01-12. Review status: reviewed by expert panel. Criteria: ENIGMA BRCA1/2 Classification Criteria (2015). Collection method: curation. Allele origin: germline.
Comment: Class 1 not pathogenic based on frequency >1% in an outbred sampleset. Frequency 0.1049 (Asian), 0.03049 (African), 0.03694 (European), derived from 1000 genomes (2012-04-30).

Breakthrough Genomics
Classification: Benign. Review status: criteria provided, single submitter. Criteria: ACMG Guidelines, 2015. Collection method: not provided. Allele origin: germline. Inheritance: Autosomal recessive inheritance. Affected: yes. Not counted in ClinVar's aggregate classification.